The following is an entry in ClinVar:

NM_006231.4(POLE):c.1360-13G>A

Gene: POLE (DNA polymerase epsilon, catalytic subunit; minus strand). Cytogenetic location: 12q24.33.
Variant type: single nucleotide variant.
Coding change: c.1360-13G>A on transcript NM_006231.4 (MANE Select); 13 bases into the intron before coding-DNA position 1360, G replaced by A.
Molecular consequence: intron variant.
Genome position (GRCh38, 1-based): chr12:132,673,290, C>T on the plus strand (G>A on the coding strand, the complement: POLE is on the minus strand). VCF-style: chr12-132673290-C-T. GRCh37 (hg19) VCF-style: chr12-133249876-C-T.
Identifiers: ClinVar variation 386531 (VCV000386531.13), dbSNP rs149689764, ClinGen allele CA6893978.

ClinVar aggregate classification (germline): Likely benign. Review status: criteria provided, multiple submitters, no conflicts (2 of 4 stars). 4 submissions from 4 submitters: Likely benign (4). Last evaluated 2026-02-03.

Conditions:
POLE-related polyposis and colorectal cancer syndrome. Identifiers: MedGen CN324030, MONDO:0100287.
Colorectal cancer, susceptibility to, 12 (CRCS12). Also called: COLORECTAL CANCER, SUSCEPTIBILITY TO, ON CHROMOSOME 12q24. Identifiers: Orphanet 220460, MedGen C3554460, MONDO:0014038, OMIM 615083.

Allele frequency attached by ClinVar (database versions not stated): ExAC 0.00003; gnomAD 0.00003; gnomAD exomes 0.00004; TOPMed 0.00005; ESP Exome Variant Server 0.00008; 1000 Genomes Project 30x 0.00016; 1000 Genomes Project 0.00020.
gnomAD v4.1: 87 of 1,542,256 alleles (0.0056%); highest among the groups gnomAD compares: Non-Finnish European, 0.0064%; no homozygotes.

Submissions (4):

Labcorp Genetics (formerly Invitae), Labcorp
Classification: Likely benign. Last evaluated: 2026-02-03. Review status: criteria provided, single submitter. Criteria: Invitae Variant Classification Sherloc (09022015). Collection method: clinical testing. Allele origin: germline.

Myriad Genetics, Inc.
Classification: Likely benign for Colorectal cancer, susceptibility to, 12. Last evaluated: 2025-02-11. Review status: criteria provided, single submitter. Criteria: Myriad Autosomal Dominant, Autosomal Recessive and X-Linked Classification Criteria (2023). Collection method: clinical testing. Allele origin: unknown.
Comment: This variant is considered likely benign. This variant is intronic and is not expected to impact mRNA splicing.

Department of Pathology and Laboratory Medicine, Sinai Health System
Classification: Likely benign for POLE-related polyposis and colorectal cancer syndrome. Last evaluated: 2025-01-31. Review status: criteria provided, single submitter. Criteria: ACMG Guidelines, 2015. Collection method: clinical testing. Allele origin: germline.

GeneDx
Classification: Likely benign. Last evaluated: 2020-03-30. Review status: criteria provided, single submitter. Criteria: GeneDx Variant Classification Process June 2021. Collection method: clinical testing. Allele origin: germline. Affected: yes.